The following is an entry in ClinVar:

NM_001281775.3(ZMYND8):c.235-1984_235-1983insACACATACAC

Gene: ZMYND8 (zinc finger MYND-type containing 8; minus strand). Cytogenetic location: 20q13.12.
Variant type: Microsatellite.
Coding change: c.235-1984_235-1983insACACATACAC on transcript NM_001281775.3 (MANE Select); 1984 bases into the intron before coding-DNA position 235 through 1983 bases into the intron before coding-DNA position 235, ACACATACAC inserted.
Molecular consequence: intron variant.
Genome position: GRCh38 VCF-style: chr20-47300930-G-GTGTGTGTGTA. GRCh37 (hg19) VCF-style: chr20-45929674-G-GTGTGTGTGTA.
Other names: c.235-2059_235-2058insACACATACAC (NM_001281781.3, NM_001281784.3, NM_001281771.3 and 4 more transcripts); c.235-1984_235-1983insACACATACAC (NM_001281776.3, NM_012408.6, NM_183047.4 and 2 more transcripts); c.-701-1984_-701-1983insACACATACAC (NM_001281780.3, NM_001281779.3); c.175-1984_175-1983insACACATACAC (NM_001281774.3, NM_001281773.3, NM_001363741.2); c.250-2059_250-2058insACACATACAC (NM_001281772.3); c.256-1984_256-1983insACACATACAC (NM_001363714.1).
Identifiers: ClinVar variation 5039675 (VCV005039675.1).
Genomic context (GRCh38, chr20:47,300,930, plus strand): 5'-ATGCACAACTAATTTTGTGTGTGTGTGTGTGTGTGTGTGTGTGTGTGTGTGTGTGTGTGT[G>GTGTGTGTGTA]TGTGTTTTGTTTTGTTTTTTTTGTAGAGACAGGGTTTCACCATGTTACCCAGGCTGGTAT-3'

ClinVar aggregate classification (germline): Benign (1 of 4 stars; one submission).

Submission:

CeGaT Center for Human Genetics Tuebingen
Classification: Benign. Last evaluated: 2026-07-01. Review status: criteria provided, single submitter. Criteria: CeGaT Center For Human Genetics Tuebingen Variant Classification Criteria Version 2. Collection method: clinical testing. Allele origin: germline. Affected: yes. Observed: 1 variant allele.
Comment: ZMYND8: BS1, BS2